The following is an entry in ClinVar:

ClinVar aggregate classification (germline): Likely benign. Review status: criteria provided, single submitter (1 of 4 stars). 2 submissions from 2 submitters: Likely benign (1). 1 of the submissions does not count toward it. Last evaluated 2026-01-24.

Conditions:
FRAS1-related disorder. Also called: FRAS1-related condition.

Allele frequency attached by ClinVar (database versions not stated): gnomAD 0.00013; TOPMed 0.00020; ExAC 0.00002; ESP Exome Variant Server 0.00008.
gnomAD v4.1: 42 of 1,613,150 alleles (0.0026%); highest among the groups gnomAD compares: African/African-American, 0.052%; no homozygotes.

Submissions (2):

Labcorp Genetics (formerly Invitae), Labcorp
Classification: Likely benign. Last evaluated: 2026-01-24. Review status: criteria provided, single submitter. Criteria: Invitae Variant Classification Sherloc (09022015). Collection method: clinical testing. Allele origin: germline.

PreventionGenetics, part of Exact Sciences
Classification: Likely benign for FRAS1-related condition. Last evaluated: 2019-08-13. Review status: no assertion criteria provided. Collection method: clinical testing. Allele origin: germline. Not counted in ClinVar's aggregate classification.
Comment: This variant is classified as likely benign based on ACMG/AMP sequence variant interpretation guidelines (Richards et al. 2015 PMID: 25741868, with internal and published modifications).

NM_025074.7(FRAS1):c.9117C>T (p.Ala3039=)

Gene: FRAS1 (Fraser extracellular matrix complex subunit 1; plus strand). Cytogenetic location: 4q21.21.
Variant type: single nucleotide variant.
Coding change: c.9117C>T on transcript NM_025074.7 (MANE Select); coding-DNA position 9117, C replaced by T.
Protein change: p.Ala3039=; no amino-acid change (alanine 3039 retained).
Molecular consequence: synonymous variant.
Genome position (GRCh38, 1-based): chr4:78,499,722, C>T. VCF-style: chr4-78499722-C-T. GRCh37 (hg19) VCF-style: chr4-79420876-C-T.
Other names: c.9117C>T (NM_025074.6).
Identifiers: ClinVar variation 2900781 (VCV002900781.5), dbSNP rs368091830, ClinGen allele CA2978590.
Genomic context (GRCh38, chr4:78,499,722, plus strand): 5'-AGTCTGAATCCTTTGTGCTATTCTAACTGGCTCTTGTTTTCCTAACCATATTTCCTTAGC[C>T]CCCACCATTGAGTTTGAAGAAGCTGCATACCAAGTCCGGGAACCCGCAGGCCCAGATGCC-3'
Protein context (NP_079350.5, residues 3029-3049): ATITISNDED[Ala3039=]PTIEFEEAAY